The following is an entry in ClinVar:

NM_001018111.3(PODXL):c.64T>A (p.Ser22Thr)

Genes: PODXL (podocalyxin like; minus strand), LOC129999375 (ATAC-STARR-seq lymphoblastoid silent region 18663; plus strand). Cytogenetic location: 7q32.3.
Variant type: single nucleotide variant.
Coding change: c.64T>A on transcript NM_001018111.3 (MANE Select); coding-DNA position 64, T replaced by A.
Protein change: p.Ser22Thr; replaces serine 22 with threonine.
Molecular consequence: missense variant.
Genome position (GRCh38, 1-based): chr7:131,556,296, A>T on the plus strand (T>A on the coding strand, the complement: PODXL is on the minus strand). VCF-style: chr7-131556296-A-T. GRCh37 (hg19) VCF-style: chr7-131241055-A-T.
Other names: c.64T>A, p.Ser22Thr (NM_005397.4); short protein forms S22T.
Identifiers: ClinVar variation 4727867 (VCV004727867.1).

ClinVar aggregate classification (germline): Uncertain significance (1 of 4 stars; one submission).

Submission:

Labcorp Genetics (formerly Invitae), Labcorp
Classification: Uncertain significance. Last evaluated: 2025-11-08. Review status: criteria provided, single submitter. Criteria: Invitae Variant Classification Sherloc (09022015). Collection method: clinical testing. Allele origin: germline.
Comment: This sequence change replaces serine, which is neutral and polar, with threonine, which is neutral and polar, at codon 22 of the PODXL protein (p.Ser22Thr). This variant is not present in population databases (gnomAD no frequency). This variant has not been reported in the literature in individuals affected with PODXL-related conditions. Experimental studies and prediction algorithms are not available or were not evaluated, and the functional significance of this variant is currently unknown. In summary, the available evidence is currently insufficient to determine the role of this variant in disease. Therefore, it has been classified as a Variant of Uncertain Significance.